The following is an entry in ClinVar:

NM_022765.4(MICAL1):c.2981+1G>A

Gene: MICAL1 (microtubule associated monooxygenase, calponin and LIM domain containing 1; minus strand). Cytogenetic location: 6q21.
Variant type: single nucleotide variant.
Coding change: c.2981+1G>A on transcript NM_022765.4 (MANE Select); the canonical splice donor site of the intron after coding-DNA position 2981, G replaced by A.
Molecular consequence: splice donor variant.
Genome position (GRCh38, 1-based): chr6:109,444,895, C>T on the plus strand (G>A on the coding strand, the complement: MICAL1 is on the minus strand). VCF-style: chr6-109444895-C-T. GRCh37 (hg19) VCF-style: chr6-109766098-C-T.
Other names: c.3038+1G>A (NM_001286613.2); c.2723+1G>A (NM_001159291.2).
Identifiers: ClinVar variation 2985115 (VCV002985115.3), dbSNP rs774016878, ClinGen allele CA3952691.

ClinVar aggregate classification (germline): Uncertain significance (1 of 4 stars; one submission).

gnomAD v4.1: 9 of 1,614,194 alleles (0.00056%); highest among the groups gnomAD compares: South Asian, 0.0033%; no homozygotes.

Submission:

Labcorp Genetics (formerly Invitae), Labcorp
Classification: Uncertain significance. Last evaluated: 2025-12-03. Review status: criteria provided, single submitter. Criteria: Invitae Variant Classification Sherloc (09022015). Collection method: clinical testing. Allele origin: germline.
Comment: This sequence change affects a donor splice site in intron 23 of the MICAL1 gene. It is expected to disrupt RNA splicing. Variants that disrupt the donor or acceptor splice site typically lead to a loss of protein function (PMID: 16199547), however the current clinical and genetic evidence is not sufficient to establish whether loss-of-function variants in MICAL1 cause disease. This variant is present in population databases (rs774016878, gnomAD 0.006%). This variant has not been reported in the literature in individuals affected with MICAL1-related conditions. ClinVar contains an entry for this variant (Variation ID: 2985115). Algorithms developed to predict the effect of sequence changes on RNA splicing suggest that this variant may disrupt the consensus splice site. In summary, the available evidence is currently insufficient to determine the role of this variant in disease. Therefore, it has been classified as a Variant of Uncertain Significance.

Literature cited by the submitters: PubMed 16199547.